The following is an entry in ClinVar:

NM_000038.6(APC):c.1958+388C>T

Gene: APC (APC regulator of WNT signaling pathway; plus strand). Cytogenetic location: 5q22.2.
Variant type: single nucleotide variant.
Coding change: c.1958+388C>T on transcript NM_000038.6 (MANE Select); 388 bases into the intron after coding-DNA position 1958, C replaced by T.
Molecular consequence: intron variant.
Genome position (GRCh38, 1-based): chr5:112,835,553, C>T. VCF-style: chr5-112835553-C-T. GRCh37 (hg19) VCF-style: chr5-112171250-C-T.
Other names: c.1958+388C>T (NM_001354895.2, NM_001127510.3); c.1988+388C>T (NM_001354897.2); c.1685+388C>T (NM_001354902.2); c.1904+388C>T (NM_001127511.3); c.1883+388C>T (NM_001354898.2); c.1580+388C>T (NM_001354904.2); c.1109+388C>T (NM_001354906.2); c.2012+388C>T (NM_001354896.2); and 5 more.
Identifiers: ClinVar variation 83215 (VCV000083215.2), dbSNP rs74735048, ClinGen allele CA006643.

ClinVar aggregate classification (germline): other (0 of 4 stars; one submission).

Conditions:
Familial colorectal cancer. Identifiers: MedGen CN280943, MONDO:0023113. Disease mechanism: loss of function.

Allele frequency attached by ClinVar (database versions not stated): gnomAD 0.00001.
gnomAD v4.1: 2 of 149,370 alleles (0.0013%); highest among the groups gnomAD compares: Middle Eastern, 0.32%; no homozygotes.

Submission:

Systems Biology Platform Zhejiang California International NanoSystems Institute
Classification: other for Familial colorectal cancer. Review status: no assertion criteria provided. Collection method: not provided. Allele origin: unknown.
ClinVar note: Converted during submission from cancer to other.